The following is an entry in ClinVar:

NM_001382567.1(STIM1):c.2054C>T (p.Ala685Val)

Genes: STIM1 (stromal interaction molecule 1; plus strand), LOC124418421 (Sharpr-MPRA regulatory region 9588; plus strand). Cytogenetic location: 11p15.4.
Variant type: single nucleotide variant.
Coding change: c.2054C>T on transcript NM_001382567.1 (MANE Select); coding-DNA position 2054, C replaced by T.
Protein change: p.Ala685Val; replaces alanine 685 with valine.
Molecular consequence: missense variant. On other transcripts: 3 prime UTR variant (4), non-coding transcript variant (3).
Genome position (GRCh38, 1-based): chr11:4,091,701, C>T. VCF-style: chr11-4091701-C-T. GRCh37 (hg19) VCF-style: chr11-4112931-C-T.
Other names: c.2279C>T, p.Ala760Val (NM_001277961.3); c.*375C>T (NM_001277962.2, NM_001382578.1, NM_001382579.1 and 1 more transcripts); c.2057C>T, p.Ala686Val (NM_001382566.1); c.1982C>T, p.Ala661Val (NM_001382568.1); c.1826C>T, p.Ala609Val (NM_001382569.1); c.1733C>T, p.Ala578Val (NM_001382570.1); c.1481C>T, p.Ala494Val (NM_001382571.1); c.1739C>T, p.Ala580Val (NM_001382575.1, NM_001382576.1, NM_001382577.1); and 2 more; short protein forms A654V, A760V, A491V, A494V, A578V, A580V, A609V, A661V.
Identifiers: ClinVar variation 645851 (VCV000645851.10), dbSNP rs1590703662, ClinGen allele CA379198090.

ClinVar aggregate classification (germline): Uncertain significance (1 of 4 stars; one submission).

Conditions:
Combined immunodeficiency due to STIM1 deficiency. Also called: STIM1 DEFICIENCY; IMMUNODEFICIENCY 10. Identifiers: Orphanet 169090, Orphanet 317430, MedGen C2748557, MONDO:0013008, OMIM 612783.
Stormorken syndrome (STRMK). Also called: THROMBOCYTOPATHY, ASPLENIA, AND MIOSIS. Identifiers: Orphanet 3204, MedGen C1861451, MONDO:0008497, OMIM 185070.
Myopathy with tubular aggregates (TAM). Also called: Tubular Aggregate Myopathy. Identifiers: Orphanet 2593, MedGen C0410207, MONDO:0008051.

Submission:

Labcorp Genetics (formerly Invitae), Labcorp
Classification: Uncertain significance for Myopathy with tubular aggregates; Combined immunodeficiency due to STIM1 deficiency; Stormorken syndrome. Last evaluated: 2022-11-15. Review status: criteria provided, single submitter. Criteria: Invitae Variant Classification Sherloc (09022015). Collection method: clinical testing. Allele origin: germline.
Comment: In summary, the available evidence is currently insufficient to determine the role of this variant in disease. Therefore, it has been classified as a Variant of Uncertain Significance. Algorithms developed to predict the effect of missense changes on protein structure and function (SIFT, PolyPhen-2, Align-GVGD) all suggest that this variant is likely to be tolerated. ClinVar contains an entry for this variant (Variation ID: 645851). This variant has not been reported in the literature in individuals affected with STIM1-related conditions. This variant is not present in population databases (gnomAD no frequency). This sequence change replaces alanine, which is neutral and non-polar, with valine, which is neutral and non-polar, at codon 654 of the STIM1 protein (p.Ala654Val).